The following is an entry in ClinVar:

ClinVar aggregate classification (germline): Uncertain significance (1 of 4 stars; one submission).

Allele frequency attached by ClinVar (database versions not stated): ExAC 0.00001; gnomAD 0.00001; gnomAD exomes 0.00001; TOPMed 0.00002.
gnomAD v4.1: 11 of 1,608,652 alleles (0.00068%); highest among the groups gnomAD compares: East Asian, 0.0022%; no homozygotes.

Submission:

Labcorp Genetics (formerly Invitae), Labcorp
Classification: Uncertain significance. Last evaluated: 2024-11-29. Review status: criteria provided, single submitter. Criteria: Invitae Variant Classification Sherloc (09022015). Collection method: clinical testing. Allele origin: germline.
Comment: This sequence change replaces arginine, which is basic and polar, with cysteine, which is neutral and slightly polar, at codon 1310 of the RTTN protein (p.Arg1310Cys). This variant is present in population databases (rs767281966, gnomAD 0.003%). This variant has not been reported in the literature in individuals affected with RTTN-related conditions. ClinVar contains an entry for this variant (Variation ID: 2090867). Invitae Evidence Modeling of protein sequence and biophysical properties (such as structural, functional, and spatial information, amino acid conservation, physicochemical variation, residue mobility, and thermodynamic stability) indicates that this missense variant is not expected to disrupt RTTN protein function with a negative predictive value of 80%. In summary, the available evidence is currently insufficient to determine the role of this variant in disease. Therefore, it has been classified as a Variant of Uncertain Significance.

NM_173630.4(RTTN):c.3928C>T (p.Arg1310Cys)

Gene: RTTN (rotatin; minus strand). Cytogenetic location: 18q22.2.
Variant type: single nucleotide variant.
Coding change: c.3928C>T on transcript NM_173630.4 (MANE Select); coding-DNA position 3928, C replaced by T.
Protein change: p.Arg1310Cys; replaces arginine 1310 with cysteine.
Molecular consequence: missense variant.
Genome position (GRCh38, 1-based): chr18:70,092,780, G>A on the plus strand (C>T on the coding strand, the complement: RTTN is on the minus strand). VCF-style: chr18-70092780-G-A. GRCh37 (hg19) VCF-style: chr18-67760016-G-A.
Other names: c.1192C>T, p.Arg398Cys (NM_001318520.2); short protein forms R398C, R1310C.
Identifiers: ClinVar variation 2090867 (VCV002090867.3), dbSNP rs767281966, ClinGen allele CA8995448.